The following is an entry in ClinVar:

NM_004360.5(CDH1):c.724G>A (p.Val242Ile)

Gene: CDH1 (cadherin 1; plus strand). Cytogenetic location: 16q22.1.
Variant type: single nucleotide variant.
Coding change: c.724G>A on transcript NM_004360.5 (MANE Select); coding-DNA position 724, G replaced by A.
Protein change: p.Val242Ile; replaces valine 242 with isoleucine.
Molecular consequence: missense variant. On other transcripts: 5 prime UTR variant (2).
Genome position (GRCh38, 1-based): chr16:68,810,233, G>A. VCF-style: chr16-68810233-G-A. GRCh37 (hg19) VCF-style: chr16-68844136-G-A.
Other names: NM_004360.5(CDH1):c.724G>A; p.Val242Ile; c.724G>A (LRG_301t1); c.724G>A, p.Val242Ile (NM_001317184.2); c.-892G>A (NM_001317185.2); c.-1096G>A (NM_001317186.2); short protein forms V242I.
Identifiers: ClinVar variation 141805 (VCV000141805.29), dbSNP rs111662525, ClinGen allele CA166473.

ClinVar aggregate classification (germline): Likely benign. Review status: reviewed by expert panel (3 of 4 stars). 10 submissions from 10 submitters: Likely benign (1). 9 of the submissions do not count toward it. Last evaluated 2023-08-10.

Conditions:
Ovarian cancer. Also called: OVARIAN CANCER, SOMATIC. Identifiers: Orphanet 213500, MedGen C1140680, MONDO:0008170, OMIM 167000.
Familial cancer of breast. Also called: BREAST CANCER, FAMILIAL; Hereditary breast cancer; hereditary breast carcinoma. Identifiers: Orphanet 227535, MedGen C0346153, MONDO:0016419, OMIM 114480. Disease mechanism: loss of function.
CDH1-related diffuse gastric and lobular breast cancer syndrome. Also called: CDH1-related diffuse gastric and lobular breast cancer. Identifiers: MedGen CN311521, MONDO:0100488.
CDH1-related disorder. Also called: CDH1-related condition.
Breast and/or ovarian cancer. Identifiers: MedGen CN221562.
Hereditary cancer-predisposing syndrome. Also called: Tumor predisposition; Neoplastic Syndromes, Hereditary; Hereditary neoplastic syndrome; Hereditary Cancer Syndrome. Identifiers: Orphanet 140162, MedGen C0027672, MeSH D009386, MONDO:0015356.
Hereditary diffuse gastric adenocarcinoma (HDGC). Also called: DIFFUSE GASTRIC AND LOBULAR BREAST CANCER SYNDROME. Identifiers: Orphanet 26106, MedGen C1708349, MONDO:0007648, OMIM 137215.

Allele frequency attached by ClinVar (database versions not stated): gnomAD exomes below 0.00001; TOPMed below 0.00001; gnomAD 0.00001.
gnomAD v4.1: 4 of 1,614,058 alleles (0.00025%); highest among the groups gnomAD compares: East Asian, 0.0067%; no homozygotes.

Submissions (10):

Clingen Gastric Cancer Variant Curation Expert Panel
Classification: Likely benign for CDH1-related diffuse gastric and lobular breast cancer syndrome. Last evaluated: 2023-08-10. Review status: reviewed by expert panel. Criteria: ClinGen CDH1 ACMG Specifications V3.1. Collection method: curation. Allele origin: germline. Inheritance: Autosomal dominant inheritance.
Comment: The c.724G>A (p.Val242Ile) missense variant has a frequency of 0.01002% in South Asians (2 of 19954 alleles) in the gnomAD v2.1.1 cohort. This variant has been observed in at least 10 (22) individuals without DGC, SRC tumours or LBC and whose families do not suggest HDGC (BS2; SCV000185325.6, SCV000259887.6). In summary, the clinical significance of this variant is classified as of likely benign based the ACMG/AMP criteria applied, as specified by the CDH1 Variant Curation Expert Panel (Variant Interpretation Guidelines Version 3.1): BS2.

PreventionGenetics, part of Exact Sciences
Classification: Likely benign for CDH1-related condition. Last evaluated: 2026-07-14. Review status: criteria provided, single submitter. Criteria: ACMG Guidelines, 2015. Collection method: clinical testing. Allele origin: germline. Not counted in ClinVar's aggregate classification.
Comment: This variant is classified as likely benign based on ACMG/AMP sequence variant interpretation guidelines (Richards et al. 2015 PMID: 25741868, with internal and published modifications).

Labcorp Genetics (formerly Invitae), Labcorp
Classification: Likely benign for Hereditary diffuse gastric adenocarcinoma. Last evaluated: 2026-01-08. Review status: criteria provided, single submitter. Criteria: Invitae Variant Classification Sherloc (09022015). Collection method: clinical testing. Allele origin: germline. Not counted in ClinVar's aggregate classification.

Color Diagnostics, LLC DBA Color Health
Classification: Likely benign for Hereditary cancer-predisposing syndrome. Last evaluated: 2025-08-12. Review status: criteria provided, single submitter. Criteria: ACMG Guidelines, 2015. Collection method: clinical testing. Allele origin: germline. Not counted in ClinVar's aggregate classification.

Quest Diagnostics Nichols Institute San Juan Capistrano
Classification: Uncertain significance. Last evaluated: 2025-02-28. Review status: criteria provided, single submitter. Criteria: Quest Diagnostics criteria. Collection method: clinical testing. Allele origin: unknown. Not counted in ClinVar's aggregate classification.
Comment: The CDH1 c.724G>A (p.Val242Ile) variant has been reported in the published literature in individuals with breast cancer (PMIDs: 28338653 (2017), 30093976 (2018), and 33471991, see also LOVD). The frequency of this variant in the general population (Genome Aggregation Database) is uninformative in the assessment of its pathogenicity. Analysis of this variant using bioinformatics tools for the prediction of the effect of amino acid changes on protein structure and function yielded predictions that this variant is benign. Based on the available information, we are unable to determine the clinical significance of this variant.

CHEO Genetics Diagnostic Laboratory, Children's Hospital of Eastern Ontario
Classification: Uncertain significance for Breast and/or ovarian cancer. Last evaluated: 2022-10-06. Review status: criteria provided, single submitter. Criteria: ACMG Guidelines, 2015. Collection method: clinical testing. Allele origin: germline. Not counted in ClinVar's aggregate classification.

Sema4
Classification: Uncertain significance for Hereditary cancer-predisposing syndrome. Last evaluated: 2021-09-15. Review status: criteria provided, single submitter. Criteria: Sema4 Curation Guidelines. Collection method: curation. Allele origin: germline. Not counted in ClinVar's aggregate classification.
Comment: The CDH1 c.724G>A (p.V242I) variant has been reported in seven individuals with breast cancer (PMID: 33471991, 30093976, 28338653). It was observed in 2/19954 chromosomes of the East Asian subpopulation in the large and broad cohorts of the Genome Aggregation Database (PMID: 32461654). The variant has been reported in ClinVar (Variation ID: 141805). Functional studies have not been performed, and in silico predictions of the variant's effect on protein function are inconclusive. The evidence is insufficient to meet ACMG/AMP criteria for classifying the variant as benign or pathogenic. Thus, the clinical significance of this variant is currently uncertain.

Department of Pathology and Laboratory Medicine, Sinai Health System
Classification: Uncertain significance for Familial cancer of breast; Ovarian cancer. Last evaluated: 2020-05-13. Review status: criteria provided, single submitter. Criteria: ACMG Guidelines, 2015. Collection method: clinical testing. Allele origin: germline. Affected: yes. Not counted in ClinVar's aggregate classification.

Ambry Genetics
Classification: Likely benign for Hereditary cancer-predisposing syndrome. Last evaluated: 2018-09-29. Review status: criteria provided, single submitter. Criteria: Ambry Variant Classification Scheme 2023. Collection method: clinical testing. Allele origin: germline. Not counted in ClinVar's aggregate classification.

GeneDx
Classification: Uncertain significance. Last evaluated: 2018-07-10. Review status: criteria provided, single submitter. Criteria: GeneDx Variant Classification (06012015). Collection method: clinical testing. Allele origin: germline. Affected: yes. Not counted in ClinVar's aggregate classification.
Comment: This variant is denoted CDH1 c.724G>A at the cDNA level, p.Val242Ile (V242I) at the protein level, and results in the change of a Valine to an Isoleucine (GTT>ATT). This variant was reported in an individual with ductal carcinoma in situ (Pang 2017). CDH1 Val242Ile was not observed at a significant allele frequency in large population cohorts (Lek 2016). This variant is located within the Cadherin 1 domain (Brooks-Wilson 2004, Figueiredo 2013, UniProt). In silico analysis, which includes protein predictors and evolutionary conservation, supports that this variant does not alter protein structure/function. Based on currently available evidence, it is unclear whether CDH1 Val242Ile is pathogenic or benign. We consider it to be a variant of uncertain significance.

Literature cited by the submitters: PubMed 28338653 (cited by 3 submitters); PubMed 30093976 (cited by Quest Diagnostics Nichols Institute San Juan Capistrano and Sema4); PubMed 33471991 (cited by Quest Diagnostics Nichols Institute San Juan Capistrano and Sema4).